The following is an entry in ClinVar:

NM_001244008.2(KIF1A):c.540C>A (p.Asp180Glu)

Gene: KIF1A (kinesin family member 1A; minus strand). Cytogenetic location: 2q37.3.
Variant type: single nucleotide variant.
Coding change: c.540C>A on transcript NM_001244008.2 (MANE Select); coding-DNA position 540, C replaced by A.
Protein change: p.Asp180Glu; replaces aspartic acid 180 with glutamic acid.
Molecular consequence: missense variant.
Genome position (GRCh38, 1-based): chr2:240,786,403, G>T on the plus strand (C>A on the coding strand, the complement: KIF1A is on the minus strand). VCF-style: chr2-240786403-G-T. GRCh37 (hg19) VCF-style: chr2-241725820-G-T.
Other names: c.540C>A, p.Asp180Glu (NM_001320705.2, NM_001330289.2, NM_001330290.2 and 20 more transcripts); short protein forms D180E.
Identifiers: ClinVar variation 4789386 (VCV004789386.1).

ClinVar aggregate classification (germline): Uncertain significance (1 of 4 stars; one submission).

Conditions:
Neuropathy, hereditary sensory, type 2C. Also called: KIF1A-Related HSAN2 (HSAN2C); Hereditary sensory and autonomic neuropathy type IIC. Identifiers: Orphanet 970, MedGen C3280168, MONDO:0013634, OMIM 614213.
Hereditary spastic paraplegia 30. Identifiers: Orphanet 101010, MedGen C5235139, MONDO:0012476.
Intellectual disability, autosomal dominant 9 (NESCAVS). Also called: KIF1A-Related Neurodevelopmental Disorder; NESCAV SYNDROME. Identifiers: Orphanet 662367, MedGen C5393830, MONDO:0013656, OMIM 614255.

gnomAD v4.1: 1 of 1,613,672 alleles (0.000062%); highest among the groups gnomAD compares: Non-Finnish European, 0.000085%; no homozygotes.

Submission:

Labcorp Genetics (formerly Invitae), Labcorp
Classification: Uncertain significance for Hereditary spastic paraplegia 30; Neuropathy, hereditary sensory, type 2C; Intellectual disability, autosomal dominant 9. Last evaluated: 2025-11-11. Review status: criteria provided, single submitter. Criteria: Invitae Variant Classification Sherloc (09022015). Collection method: clinical testing. Allele origin: germline.
Comment: This sequence change replaces aspartic acid, which is acidic and polar, with glutamic acid, which is acidic and polar, at codon 180 of the KIF1A protein (p.Asp180Glu). This variant is not present in population databases (gnomAD no frequency). This variant has not been reported in the literature in individuals affected with KIF1A-related conditions. Invitae Evidence Modeling of protein sequence and biophysical properties (such as structural, functional, and spatial information, amino acid conservation, physicochemical variation, residue mobility, and thermodynamic stability) indicates that this missense variant is expected to disrupt KIF1A protein function with a positive predictive value of 95%. In summary, the available evidence is currently insufficient to determine the role of this variant in disease. Therefore, it has been classified as a Variant of Uncertain Significance.